The following is an entry in ClinVar:

NM_018082.6(POLR3B):c.1076A>C (p.Asn359Thr)

Gene: POLR3B (RNA polymerase III subunit B; plus strand). Cytogenetic location: 12q23.3.
Variant type: single nucleotide variant.
Coding change: c.1076A>C on transcript NM_018082.6 (MANE Select); coding-DNA position 1076, A replaced by C.
Protein change: p.Asn359Thr; replaces asparagine 359 with threonine.
Molecular consequence: missense variant.
Genome position (GRCh38, 1-based): chr12:106,410,935, A>C. VCF-style: chr12-106410935-A-C. GRCh37 (hg19) VCF-style: chr12-106804713-A-C.
Other names: c.902A>C, p.Asn301Thr (NM_001160708.2); short protein forms N301T, N359T.
Identifiers: ClinVar variation 2634611 (VCV002634611.1), dbSNP rs2542073745, ClinGen allele CA386387558.

ClinVar aggregate classification (germline): Uncertain significance (1 of 4 stars; one submission).

Conditions:
POLR3B-related disorder. Also called: POLR3B-related condition; POLR3B-related disorders. Identifiers: MedGen CN378588, MONDO:0700277.

Submission:

PreventionGenetics, part of Exact Sciences
Classification: Uncertain significance for POLR3B-related condition. Last evaluated: 2023-02-06. Review status: criteria provided, single submitter. Criteria: ACMG Guidelines, 2015. Collection method: clinical testing. Allele origin: germline.
Comment: The POLR3B c.1076A>C variant is predicted to result in the amino acid substitution p.Asn359Thr. To our knowledge, this variant has not been reported in the literature or in a large population database, indicating this variant is rare. At this time, the clinical significance of this variant is uncertain due to the absence of conclusive functional and genetic evidence.